The following is an entry in ClinVar:

NM_000064.4(C3):c.3687C>T (p.Asn1229=)

Gene: C3 (complement C3; minus strand). Cytogenetic location: 19p13.3.
Variant type: single nucleotide variant.
Coding change: c.3687C>T on transcript NM_000064.4 (MANE Select); coding-DNA position 3687, C replaced by T.
Protein change: p.Asn1229=; no amino-acid change (asparagine 1229 retained).
Molecular consequence: synonymous variant.
Genome position (GRCh38, 1-based): chr19:6,686,247, G>A on the plus strand (C>T on the coding strand, the complement: C3 is on the minus strand). VCF-style: chr19-6686247-G-A. GRCh37 (hg19) VCF-style: chr19-6686258-G-A.
Other names: c.3687C>T (LRG_27t1, NM_000064.3).
Identifiers: ClinVar variation 330291 (VCV000330291.17), dbSNP rs201108539, ClinGen allele CA9128660.
Genomic context (GRCh38, chr19:6,686,247, plus strand): 5'-CACAAAGTCAAAGTCTTTTAGCTGCAGTAGGGCCAAGAGGGCATAGGATGTGGCCTCCAC[G>A]TTGTAGAGCTGCTTACCAGGGTCCTCCCAGCGGTTCTTATCTGCAAAGAAGATACCCCAT-3'
Protein context (NP_000055.2, residues 1219-1239): RWEDPGKQLY[Asn1229=]VEATSYALLA

ClinVar aggregate classification (germline): Conflicting classifications of pathogenicity. Review status: criteria provided, conflicting classifications (1 of 4 stars). 7 submissions from 5 submitters: Uncertain significance (2); Benign (1); Likely benign (3). 1 of the submissions does not count toward it. Last evaluated 2025-11-13.

Conditions:
C3-related disorder. Also called: C3-related condition.
Atypical hemolytic-uremic syndrome. Identifiers: Orphanet 2134, MedGen C2931788, MONDO:0016244.
Age related macular degeneration 9. Identifiers: MedGen C1969651, MONDO:0012659, OMIM 611378.
Atypical hemolytic-uremic syndrome with C3 anomaly. Also called: AHUS, SUSCEPTIBILITY TO, 5. Identifiers: Orphanet 2134, MedGen C2752037, MONDO:0013043, OMIM 612925.
Complement component 3 deficiency. Identifiers: Orphanet 280133, MedGen C3151071, MONDO:0013417, OMIM 613779.

Allele frequency attached by ClinVar (database versions not stated): gnomAD 0.00008 and 0.00009; TOPMed 0.00009; ExAC 0.00015; gnomAD exomes 0.00015 and 0.00019.
gnomAD v4.1: 234 of 1,614,054 alleles (0.014%); highest among the groups gnomAD compares: Middle Eastern, 0.033%; no homozygotes.

Submissions (7):

Women's Health and Genetics/Laboratory Corporation of America, LabCorp
Classification: Likely benign. Last evaluated: 2025-11-13. Review status: criteria provided, single submitter. Criteria: LabCorp Variant Classification Summary - May 2015. Collection method: clinical testing. Allele origin: germline.
Comment: Variant summary: C3 c.3687C>T alters a non-conserved nucleotide resulting in a synonymous change. Consensus agreement among computation tools predict no significant impact on normal splicing. However, these predictions have yet to be confirmed by functional studies. The variant allele was found at a frequency of 0.00019 in 251492 control chromosomes. This frequency is not significantly higher than estimated for disease-causing variants in C3, allowing no conclusion about variant significance. c.3687C>T has been observed in at least one individual affected with atypical hemolytic uremic syndrome, without strong evidence of causality (example: Turudic_2023). This report does not provide unequivocal conclusions about association of the variant with C3-related disorders. To our knowledge, no experimental evidence demonstrating an impact on protein function has been reported. The following publication has been ascertained in the context of this evaluation (PMID: 37685848). ClinVar contains an entry for this variant (Variation ID: 330291). Based on the evidence outlined above, the variant was classified as likely benign.

Labcorp Genetics (formerly Invitae), Labcorp
Classification: Likely benign. Last evaluated: 2025-10-14. Review status: criteria provided, single submitter. Criteria: Invitae Variant Classification Sherloc (09022015). Collection method: clinical testing. Allele origin: germline.

Genomenon, Inc
Classification: Likely benign for Atypical hemolytic-uremic syndrome. Last evaluated: 2025-09-30. Review status: criteria provided, single submitter. Criteria: Genomenon Sequence Variant Interpretation Standards. Collection method: curation. Allele origin: germline. Affected: yes.
Comment: C3 p.Asn1229= (c.3687C>T) is a synonymous variant that retains Asparagine at residue 1229. This variant has been observed in at least one proband affected with atypical hemolytic-uremic syndrome (PMID:37685848). This synonymous variant is not predicted to impact splicing. It is absent or not present at a significant frequency in gnomAD. In conclusion, we classify C3 p.Asn1229= (c.3687C>T) as a likely benign variant.

Illumina Laboratory Services, Illumina
Classification: Uncertain significance for Age related macular degeneration 9. Last evaluated: 2018-01-13. Review status: criteria provided, single submitter. Criteria: ICSL Variant Classification Criteria 13 December 2019. Collection method: clinical testing. Allele origin: germline.

Illumina Laboratory Services, Illumina
Classification: Uncertain significance for Complement component 3 deficiency. Last evaluated: 2018-01-13. Review status: criteria provided, single submitter. Criteria: ICSL Variant Classification Criteria 13 December 2019. Collection method: clinical testing. Allele origin: germline.

Illumina Laboratory Services, Illumina
Classification: Benign for Atypical hemolytic-uremic syndrome with C3 anomaly. Last evaluated: 2018-01-13. Review status: criteria provided, single submitter. Criteria: ICSL Variant Classification Criteria 13 December 2019. Collection method: clinical testing. Allele origin: germline.
Comment: This variant was observed in the ICSL laboratory as part of a predisposition screen in an ostensibly healthy population. It had not been previously curated by ICSL or reported in the Human Gene Mutation Database (HGMD: prior to June 1st, 2018), and was therefore a candidate for classification through an automated scoring system. Utilizing variant allele frequency, disease prevalence and penetrance estimates, and inheritance mode, an automated score was calculated to assess if this variant is too frequent to cause the disease. Based on the score and internal cut-off values, a variant classified as benign is not then subjected to further curation. The score for this variant resulted in a classification of benign for this disease.

PreventionGenetics, part of Exact Sciences
Classification: Likely benign for C3-related condition. Last evaluated: 2019-04-13. Review status: no assertion criteria provided. Collection method: clinical testing. Allele origin: germline. Not counted in ClinVar's aggregate classification.
Comment: This variant is classified as likely benign based on ACMG/AMP sequence variant interpretation guidelines (Richards et al. 2015 PMID: 25741868, with internal and published modifications).

Literature cited by the submitters: PubMed 37685848 (cited by Women's Health and Genetics/Laboratory Corporation of America, LabCorp and Genomenon, Inc).